The following is an entry in ClinVar:

ClinVar aggregate classification (germline): Likely pathogenic (1 of 4 stars; one submission).

Submission:

GeneDx
Classification: Likely pathogenic. Last evaluated: 2015-12-10. Review status: criteria provided, single submitter. Criteria: GeneDx Variant Classification (06012015). Collection method: clinical testing. Allele origin: germline. Affected: yes.
Comment: The G343R variant in the IDS gene has not been reported previously as a pathogenic variant, nor as a benign variant, to our knowledge. The G343R variant was not observed in approximately 6500 individuals of European and African American ancestry in the NHLBI Exome Sequencing Project, indicating it is not a common benign variant in these populations. The G343R variant is a non-conservative amino acid substitution, which occurs at a position that is conserved across species. In silico analysis predicts this variant is probably damaging to the protein structure/function. Missense variants in nearby residues (W337R, L339P, L339R, G340D, E341K, H342P, H342Y, E344K, W345R, W345C, A346V, A346D, K347Q, K347E, K347T, K347I, Y348H) have been reported in the Human Gene Mutation Database in association with mucopolysaccharidosis type II (Stenson et al., 2014), supporting the functional importance of this region of the protein. The G343R variant is a strong candidate for a pathogenic variant,however the possibility it may be a rare benign variant cannot be excluded.

NM_000202.8(IDS):c.1027G>A (p.Gly343Arg)

Genes: IDS (iduronate 2-sulfatase; minus strand), LOC106050102 (IDS recombination region; plus strand). Cytogenetic location: Xq28.
Variant type: single nucleotide variant.
Coding change: c.1027G>A on transcript NM_000202.8 (MANE Select); coding-DNA position 1027, G replaced by A.
Protein change: p.Gly343Arg; replaces glycine 343 with arginine.
Molecular consequence: missense variant.
Genome position (GRCh38, 1-based): chrX:149,487,078, C>T on the plus strand (G>A on the coding strand, the complement: IDS is on the minus strand). VCF-style: chrX-149487078-C-T. GRCh37 (hg19) VCF-style: chrX-148568609-C-T.
Other names: c.757G>A, p.Gly253Arg (NM_001166550.4); short protein forms G343R, G253R.
Identifiers: ClinVar variation 432040 (VCV000432040.2), dbSNP rs1557338153, ClinGen allele CA414519001.